The following is an entry in ClinVar:

NM_015409.5(EP400):c.3241G>T (p.Glu1081Ter)

Genes: EP400 (E1A binding protein p400; plus strand), LOC126861695 (CDK7 strongly-dependent group 2 enhancer GRCh37_chr12:132490339-132491538; plus strand). Cytogenetic location: 12q24.33.
Variant type: single nucleotide variant.
Coding change: c.3241G>T on transcript NM_015409.5 (MANE Select); coding-DNA position 3241, G replaced by T.
Protein change: p.Glu1081Ter; replaces glutamic acid 1081 with a stop codon.
Molecular consequence: nonsense.
Genome position (GRCh38, 1-based): chr12:132,006,814, G>T. VCF-style: chr12-132006814-G-T. GRCh37 (hg19) VCF-style: chr12-132491359-G-T.
Other names: short protein forms E1081*.
Identifiers: ClinVar variation 3353902 (VCV003353902.1).

ClinVar aggregate classification (germline): Uncertain significance (0 of 4 stars; one submission).

Conditions:
EP400-related disorder. Also called: EP400-related condition.

Submission:

PreventionGenetics, part of Exact Sciences
Classification: Uncertain significance for EP400-related condition. Last evaluated: 2024-06-10. Review status: no assertion criteria provided. Collection method: clinical testing. Allele origin: germline.
Comment: The EP400 c.3241G>T variant is predicted to result in premature protein termination (p.Glu1081*). To our knowledge, this variant has not been reported in the literature or in a large population database, indicating this variant is rare. At this time, the clinical significance of this variant is uncertain due to the absence of conclusive functional and genetic evidence.